The following is an entry in ClinVar:

ClinVar aggregate classification (germline): Pathogenic. Review status: criteria provided, multiple submitters, no conflicts (2 of 4 stars). 2 submissions from 2 submitters: Pathogenic (2). Last evaluated 2026-04-10.

Conditions:
Marfan Syndrome/Loeys-Dietz Syndrome/Familial Thoracic Aortic Aneurysms and Dissections. Identifiers: MedGen CN229799.
Marfan syndrome (MFS). Also called: MARFAN SYNDROME, TYPE I; Marfan syndrome type 1; Marfan's syndrome; Marfan syndrome, classic; FBN1-Related Marfan Syndrome. Identifiers: Orphanet 284963, Orphanet 558, MedGen C0024796, MONDO:0007947, OMIM 154700.
Familial thoracic aortic aneurysm and aortic dissection (TAAD). Also called: Thoracic aortic aneurysms and dissections. Identifiers: Orphanet 91387, MedGen C4707243, MONDO:0019625.

Submissions (2):

Women's Health and Genetics/Laboratory Corporation of America, LabCorp
Classification: Pathogenic for Marfan Syndrome/Loeys-Dietz Syndrome/Familial Thoracic Aortic Aneurysms and Dissections. Last evaluated: 2026-04-10. Review status: criteria provided, single submitter. Criteria: LabCorp Variant Classification Summary - May 2015. Collection method: clinical testing. Allele origin: germline.
Comment: Variant summary: FBN1 c.2288G>A (p.Cys763Tyr) results in a non-conservative amino acid change in the encoded protein sequence. Algorithms developed to predict the effect of missense changes on protein structure and function all suggest that this variant is likely to be disruptive. The variant was absent in 251432 control chromosomes. c.2288G>A has been observed in individual(s) affected with Marfan Syndrome and ectopialentis syndrome (examples, Madar_2019, internal data). These data indicate that the variant may be associated with disease. To our knowledge, no experimental evidence demonstrating an impact on protein function has been reported. A different variant affecting the same codon has been classified as pathogenic (c.2287T>G p.Cys763Gly), supporting the critical relevance of codon 763 to FBN1 protein function. Missense mutations affecting cysteine residues are listed among the criteria for a causal FBN1 mutation when identified as de novo (with proven paternity) in the revised Ghent criteria for the diagnosis of Marfan and related conditions (Loeys 2010). The following publications has been ascertained in the context of this evaluation (PMID: 31163209). ClinVar contains an entry for this variant (Variation ID: 3762926). Based on the evidence outlined above, the variant was classified as pathogenic.

Labcorp Genetics (formerly Invitae), Labcorp
Classification: Pathogenic for Marfan syndrome; Familial thoracic aortic aneurysm and aortic dissection. Last evaluated: 2024-11-11. Review status: criteria provided, single submitter. Criteria: Invitae Variant Classification Sherloc (09022015). Collection method: clinical testing. Allele origin: germline.
Comment: This sequence change replaces cysteine, which is neutral and slightly polar, with tyrosine, which is neutral and polar, at codon 763 of the FBN1 protein (p.Cys763Tyr). This variant is not present in population databases (gnomAD no frequency). This missense change has been observed in individual(s) with clinical features of Marfan syndrome (PMID: 31163209; internal data). Invitae Evidence Modeling of protein sequence and biophysical properties (such as structural, functional, and spatial information, amino acid conservation, physicochemical variation, residue mobility, and thermodynamic stability) indicates that this missense variant is expected to disrupt FBN1 protein function with a positive predictive value of 95%. This variant affects a cysteine residue in the EGF-like, TGFBP or hybrid motif domains of FBN1. Cysteine residues are believed to be involved in intramolecular disulfide bridges and have been shown to be important for FBN1 protein structure (PMID: 16905551, 19349279). In addition, missense substitutions affecting cysteine residues within these domains are significantly overrepresented among patients with Marfan syndrome (PMID: 16571647, 17701892). For these reasons, this variant has been classified as Pathogenic.

Literature cited by the submitters: PubMed 31163209 (cited by Women's Health and Genetics/Laboratory Corporation of America, LabCorp and Labcorp Genetics (formerly Invitae), Labcorp); PubMed 16905551 (cited by Labcorp Genetics (formerly Invitae), Labcorp); PubMed 19349279 (cited by Labcorp Genetics (formerly Invitae), Labcorp); PubMed 16571647 (cited by Labcorp Genetics (formerly Invitae), Labcorp); PubMed 17701892 (cited by Labcorp Genetics (formerly Invitae), Labcorp).

NM_000138.5(FBN1):c.2288G>A (p.Cys763Tyr)

Gene: FBN1 (fibrillin 1; minus strand). Cytogenetic location: 15q21.1.
Variant type: single nucleotide variant.
Coding change: c.2288G>A on transcript NM_000138.5 (MANE Select); coding-DNA position 2288, G replaced by A.
Protein change: p.Cys763Tyr; replaces cysteine 763 with tyrosine.
Molecular consequence: missense variant.
Genome position (GRCh38, 1-based): chr15:48,497,271, C>T on the plus strand (G>A on the coding strand, the complement: FBN1 is on the minus strand). VCF-style: chr15-48497271-C-T. GRCh37 (hg19) VCF-style: chr15-48789468-C-T.
Other names: c.2288G>A, p.Cys763Tyr (NM_001406716.1); short protein forms C763Y.
Identifiers: ClinVar variation 3762926 (VCV003762926.3).
Genomic context (GRCh38, chr15:48,497,271, plus strand): 5'-AAAGAAGGAATGCATTATGCAGGCAATGTTTCAGAAAATGGGTAAAACTTCTCACCAACG[C>T]AGTTTTTCCCAGTTGAATCCACTTCATATCCTGAATTGCATATACATTTATAGGTCCCAC-3'
Protein context (NP_000129.3, residues 753-773): GYEVDSTGKN[Cys763Tyr]VDINECVLNS